The following is an entry in ClinVar:

ClinVar aggregate classification (germline): Uncertain significance (1 of 4 stars; one submission).

Allele frequency attached by ClinVar (database versions not stated): ExAC 0.00001; gnomAD 0.00003 and 0.00004; TOPMed 0.00003; ESP Exome Variant Server 0.00015.
gnomAD v4.1: 42 of 1,611,582 alleles (0.0026%); highest among the groups gnomAD compares: Non-Finnish European, 0.0035%; no homozygotes.

Submission:

Labcorp Genetics (formerly Invitae), Labcorp
Classification: Uncertain significance. Last evaluated: 2024-02-24. Review status: criteria provided, single submitter. Criteria: Invitae Variant Classification Sherloc (09022015). Collection method: clinical testing. Allele origin: germline.
Comment: This sequence change replaces valine, which is neutral and non-polar, with methionine, which is neutral and non-polar, at codon 211 of the CD81 protein (p.Val211Met). The frequency data for this variant in the population databases is considered unreliable, as metrics indicate poor data quality at this position in the gnomAD database. This variant has not been reported in the literature in individuals affected with CD81-related conditions. ClinVar contains an entry for this variant (Variation ID: 1430335). An algorithm developed to predict the effect of missense changes on protein structure and function (PolyPhen-2) suggests that this variant is likely to be disruptive. In summary, the available evidence is currently insufficient to determine the role of this variant in disease. Therefore, it has been classified as a Variant of Uncertain Significance.

NM_004356.4(CD81):c.631G>A (p.Val211Met)

Gene: CD81 (CD81 molecule; plus strand). Cytogenetic location: 11p15.5.
Variant type: single nucleotide variant.
Coding change: c.631G>A on transcript NM_004356.4 (MANE Select); coding-DNA position 631, G replaced by A.
Protein change: p.Val211Met; replaces valine 211 with methionine.
Molecular consequence: missense variant.
Genome position (GRCh38, 1-based): chr11:2,396,697, G>A. VCF-style: chr11-2396697-G-A. GRCh37 (hg19) VCF-style: chr11-2417927-G-A.
Other names: c.418G>A, p.Val140Met (NM_001297649.2); short protein forms V140M, V211M.
Identifiers: ClinVar variation 1430335 (VCV001430335.6), dbSNP rs139884987, ClinGen allele CA5820126.